The following is an entry in ClinVar:

ClinVar aggregate classification (germline): Conflicting classifications of pathogenicity. Review status: criteria provided, conflicting classifications (1 of 4 stars). 3 submissions from 3 submitters: Uncertain significance (1); Benign (1); Likely benign (1). Last evaluated 2026-01-13.

Conditions:
Cardiovascular phenotype. Identifiers: MedGen CN230736.
CACNA1C-related disorder. Also called: CACNA1C-related condition; CACNA1C-related disorders. Identifiers: MedGen CN381092, MONDO:0700321.
Long QT syndrome (LQTS). Identifiers: MedGen C0023976, MeSH D008133, MONDO:0002442. Disease mechanism: loss of function. Inheritance: Various modes of inheritance.

Allele frequency attached by ClinVar (database versions not stated): gnomAD 0.00003; TOPMed 0.00003; ExAC 0.00005; ESP Exome Variant Server 0.00016; gnomAD exomes 0.00002.
gnomAD v4.1: 36 of 1,600,470 alleles (0.0022%); highest among the groups gnomAD compares: Non-Finnish European, 0.003%; no homozygotes.

Submissions (3):

Labcorp Genetics (formerly Invitae), Labcorp
Classification: Benign for Long QT syndrome. Last evaluated: 2026-01-13. Review status: criteria provided, single submitter. Criteria: Invitae Variant Classification Sherloc (09022015). Collection method: clinical testing. Allele origin: germline.

PreventionGenetics, part of Exact Sciences
Classification: Uncertain significance for CACNA1C-related condition. Last evaluated: 2025-12-23. Review status: criteria provided, single submitter. Criteria: ACMG Guidelines, 2015. Collection method: clinical testing. Allele origin: germline.
Comment: The CACNA1C c.5387C>T variant is predicted to result in the amino acid substitution p.Pro1796Leu. To our knowledge, this variant has not been reported in the literature. This variant is reported in 0.0094% of alleles in individuals of African descent in gnomAD. At this time, the clinical significance of this variant is uncertain due to the absence of conclusive functional and genetic evidence.

Ambry Genetics
Classification: Likely benign for Cardiovascular phenotype. Last evaluated: 2021-12-21. Review status: criteria provided, single submitter. Criteria: Ambry Variant Classification Scheme 2023. Collection method: clinical testing. Allele origin: germline.

NM_000719.7(CACNA1C):c.5387C>T (p.Pro1796Leu)

Genes: CACNA1C (calcium voltage-gated channel subunit alpha1 C; plus strand), CACNA1C-AS1 (CACNA1C antisense RNA 1; minus strand). Cytogenetic location: 12p13.33.
Variant type: single nucleotide variant.
Coding change: c.5387C>T on transcript NM_000719.7 (MANE Select); coding-DNA position 5387, C replaced by T.
Protein change: p.Pro1796Leu; replaces proline 1796 with leucine.
Molecular consequence: missense variant.
Genome position (GRCh38, 1-based): chr12:2,679,739, C>T. VCF-style: chr12-2679739-C-T. GRCh37 (hg19) VCF-style: chr12-2788905-C-T.
Other names: c.5531C>T, p.Pro1844Leu (NM_001129827.2, NM_199460.4); c.5510C>T, p.Pro1837Leu (NM_001129829.2); c.5387C>T, p.Pro1796Leu (NM_001129830.3, NM_001129840.2, NM_001129841.2 and 4 more transcripts); c.5471C>T, p.Pro1824Leu (NM_001129831.2); c.5447C>T, p.Pro1816Leu (NM_001129832.2); c.5444C>T, p.Pro1815Leu (NM_001129833.2, NM_001129834.2, NM_001129835.2); c.5438C>T, p.Pro1813Leu (NM_001129836.2); c.5411C>T, p.Pro1804Leu (NM_001129837.2, NM_001129838.2); and 3 more; short protein forms P1785L, P1793L, P1796L, P1802L, P1804L, P1813L, P1815L, P1816L.
Identifiers: ClinVar variation 1058861 (VCV001058861.10), dbSNP rs199999203, ClinGen allele CA6389769.